The following is an entry in ClinVar:

ClinVar aggregate classification (germline): Uncertain significance (1 of 4 stars; one submission).

Allele frequency attached by ClinVar (database versions not stated): gnomAD exomes below 0.00001; TOPMed below 0.00001.
gnomAD v4.1: 1 of 1,551,620 alleles (0.000064%); highest among the groups gnomAD compares: Admixed American, 0.002%; no homozygotes.

Submission:

Labcorp Genetics (formerly Invitae), Labcorp
Classification: Uncertain significance. Last evaluated: 2025-10-01. Review status: criteria provided, single submitter. Criteria: Invitae Variant Classification Sherloc (09022015). Collection method: clinical testing. Allele origin: germline.
Comment: This sequence change replaces serine, which is neutral and polar, with isoleucine, which is neutral and non-polar, at codon 173 of the SLC39A14 protein (p.Ser173Ile). This variant is present in population databases (no rsID available, gnomAD 0.004%). This variant has not been reported in the literature in individuals affected with SLC39A14-related conditions. ClinVar contains an entry for this variant (Variation ID: 2003942). Invitae Evidence Modeling of protein sequence and biophysical properties (such as structural, functional, and spatial information, amino acid conservation, physicochemical variation, residue mobility, and thermodynamic stability) indicates that this missense variant is not expected to disrupt SLC39A14 protein function with a negative predictive value of 80%. Algorithms developed to predict the effect of sequence changes on RNA splicing suggest that this variant may create or strengthen a splice site. In summary, the available evidence is currently insufficient to determine the role of this variant in disease. Therefore, it has been classified as a Variant of Uncertain Significance.

NM_001128431.4(SLC39A14):c.518G>T (p.Ser173Ile)

Gene: SLC39A14 (solute carrier family 39 member 14; plus strand). Cytogenetic location: 8p21.3.
Variant type: single nucleotide variant.
Coding change: c.518G>T on transcript NM_001128431.4 (MANE Select); coding-DNA position 518, G replaced by T.
Protein change: p.Ser173Ile; replaces serine 173 with isoleucine.
Molecular consequence: missense variant. On other transcripts: intron variant (1).
Genome position (GRCh38, 1-based): chr8:22,412,097, G>T. VCF-style: chr8-22412097-G-T. GRCh37 (hg19) VCF-style: chr8-22269610-G-T.
Other names: c.518G>T, p.Ser173Ile (NM_001135153.3, NM_001135154.3, NM_001351655.2 and 2 more transcripts); c.548G>T, p.Ser183Ile (NM_001351657.2, NM_001351658.2, NM_001351659.2); c.627+1982G>T (NM_015359.6); short protein forms S173I, S183I.
Identifiers: ClinVar variation 2003942 (VCV002003942.4), dbSNP rs1241616454, ClinGen allele CA370528582.
Genomic context (GRCh38, chr8:22,412,097, plus strand): 5'-TGTGGGGATACGGTCTCCTCTGTGTGACCGTCATCTCCCTCTGCTCCCTCCTGGGGGCCA[G>T]CGTGGTGCCCTTCATGAAGAAGACCTTTTACAAGAGGCTGCTGCTCTACTTCATAGCTCT-3'
Protein context (NP_001121903.1, residues 163-183): VISLCSLLGA[Ser173Ile]VVPFMKKTFY